The following is an entry in ClinVar:

NM_018238.4(AGK):c.424-4C>A

Gene: AGK (acylglycerol kinase; plus strand). Cytogenetic location: 7q34.
Variant type: single nucleotide variant.
Coding change: c.424-4C>A on transcript NM_018238.4 (MANE Select); 4 bases into the intron before coding-DNA position 424, C replaced by A.
Molecular consequence: intron variant.
Genome position (GRCh38, 1-based): chr7:141,615,467, C>A. VCF-style: chr7-141615467-C-A. GRCh37 (hg19) VCF-style: chr7-141315267-C-A.
Other names: p.?; c.424-4C>A (NM_001364948.3).
Identifiers: ClinVar variation 703335 (VCV000703335.18), dbSNP rs113085050, ClinGen allele CA4517459.

ClinVar aggregate classification (germline): Benign/Likely benign. Review status: criteria provided, multiple submitters, no conflicts (2 of 4 stars). 6 submissions from 6 submitters: Benign (1); Likely benign (4). 1 of the submissions does not count toward it. Last evaluated 2025-12-26.

Conditions:
AGK-related disorder. Also called: AGK-related condition; AGK-related disorders. Identifiers: MedGen CN239194.
Sengers syndrome. Also called: MITOCHONDRIAL DNA DEPLETION SYNDROME 10 (CARDIOMYOPATHIC TYPE); Cardiomyopathy and cataract. Identifiers: Orphanet 1369, MedGen C1859317, MONDO:0008922, OMIM 212350.
Cataract 38. Also called: Cataract 38, autosomal recessive; Cataract, autosomal recessive congenital 5. Identifiers: Orphanet 91492, MedGen C3553494, MONDO:0013859, OMIM 614691.

Allele frequency attached by ClinVar (database versions not stated): 1000 Genomes Project 0.00040; 1000 Genomes Project 30x 0.00047.
gnomAD v4.1: 209 of 1,612,594 alleles (0.013%); highest among the groups gnomAD compares: African/African-American, 0.21%; no homozygotes.

Submissions (6):

Labcorp Genetics (formerly Invitae), Labcorp
Classification: Benign for Sengers syndrome; Cataract 38. Last evaluated: 2025-12-26. Review status: criteria provided, single submitter. Criteria: Invitae Variant Classification Sherloc (09022015). Collection method: clinical testing. Allele origin: germline.

Mayo Clinic Laboratories, Mayo Clinic
Classification: Likely benign. Last evaluated: 2025-06-18. Review status: criteria provided, single submitter. Criteria: ACMG Guidelines, 2015. Collection method: clinical testing. Allele origin: germline. Observed: 3 variant alleles.
Comment: BS1, BP4, BP7

Blueprint Genetics
Classification: Likely benign. Last evaluated: 2024-11-18. Review status: criteria provided, single submitter. Criteria: ACMG Guidelines, 2015. Collection method: clinical testing. Allele origin: germline.

GeneDx
Classification: Likely benign. Last evaluated: 2020-09-03. Review status: criteria provided, single submitter. Criteria: GeneDx Variant Classification Process June 2021. Collection method: clinical testing. Allele origin: germline. Affected: yes.

Breakthrough Genomics
Classification: Likely benign. Review status: criteria provided, single submitter. Criteria: ACMG Guidelines, 2015. Collection method: not provided. Allele origin: germline. Inheritance: Autosomal recessive inheritance. Affected: yes.

PreventionGenetics, part of Exact Sciences
Classification: Likely benign for AGK-related condition. Last evaluated: 2019-06-03. Review status: no assertion criteria provided. Collection method: clinical testing. Allele origin: germline. Not counted in ClinVar's aggregate classification.
Comment: This variant is classified as likely benign based on ACMG/AMP sequence variant interpretation guidelines (Richards et al. 2015 PMID: 25741868, with internal and published modifications).